The following is an entry in ClinVar:

NM_024857.5(ATAD5):c.666G>A (p.Leu222=)

Gene: ATAD5 (ATPase family AAA domain containing 5; plus strand). Cytogenetic location: 17q11.2.
Variant type: single nucleotide variant.
Coding change: c.666G>A on transcript NM_024857.5 (MANE Select); coding-DNA position 666, G replaced by A.
Protein change: p.Leu222=; no amino-acid change (leucine 222 retained).
Molecular consequence: synonymous variant.
Genome position (GRCh38, 1-based): chr17:30,834,747, G>A. VCF-style: chr17-30834747-G-A. GRCh37 (hg19) VCF-style: chr17-29161765-G-A.
Identifiers: ClinVar variation 3040251 (VCV003040251.2), dbSNP rs779548775, ClinGen allele CA8483511.
Genomic context (GRCh38, chr17:30,834,747, plus strand): 5'-CAAAAAGTTGAGAAAAAGGAAATGCAGAGATGTAGTAGATCTATCTGAAAGCTTACCCTT[G>A]GCAGAGGAACTAAATTTGCTTAAAAAAGATGGTAAAGATACTAAACAGATGGAGAATACT-3'
Protein context (NP_079133.3, residues 212-232): DVVDLSESLP[Leu222=]AEELNLLKKD

ClinVar aggregate classification (germline): Likely benign (0 of 4 stars; one submission).

Conditions:
ATAD5-related disorder. Also called: ATAD5-related condition.

Allele frequency attached by ClinVar (database versions not stated): gnomAD 0.00006; gnomAD exomes 0.00012; TOPMed 0.00025; ExAC 0.00048.
gnomAD v4.1: 176 of 1,613,836 alleles (0.011%); highest among the groups gnomAD compares: Admixed American, 0.29%; no homozygotes.

Submission:

PreventionGenetics, part of Exact Sciences
Classification: Likely benign for ATAD5-related condition. Last evaluated: 2019-10-28. Review status: no assertion criteria provided. Collection method: clinical testing. Allele origin: germline.
Comment: This variant is classified as likely benign based on ACMG/AMP sequence variant interpretation guidelines (Richards et al. 2015 PMID: 25741868, with internal and published modifications).